The following is an entry in ClinVar:

NM_013275.6(ANKRD11):c.2993A>G (p.Glu998Gly)

Gene: ANKRD11 (ankyrin repeat domain 11; minus strand). Cytogenetic location: 16q24.3.
Variant type: single nucleotide variant.
Coding change: c.2993A>G on transcript NM_013275.6 (MANE Select); coding-DNA position 2993, A replaced by G.
Protein change: p.Glu998Gly; replaces glutamic acid 998 with glycine.
Molecular consequence: missense variant.
Genome position (GRCh38, 1-based): chr16:89,283,549, T>C on the plus strand (A>G on the coding strand, the complement: ANKRD11 is on the minus strand). VCF-style: chr16-89283549-T-C. GRCh37 (hg19) VCF-style: chr16-89349957-T-C.
Other names: c.2993A>G, p.Glu998Gly (NM_001256182.2, NM_001256183.2); short protein forms E998G.
Identifiers: ClinVar variation 4802807 (VCV004802807.1).

ClinVar aggregate classification (germline): Uncertain significance (1 of 4 stars; one submission).

Conditions:
KBG syndrome (KBGS). Also called: ANKRD11-Related KBG Syndrome. Identifiers: Orphanet 2332, MedGen C0220687, MONDO:0007846, OMIM 148050.

Submission:

Labcorp Genetics (formerly Invitae), Labcorp
Classification: Uncertain significance for KBG syndrome. Last evaluated: 2025-09-27. Review status: criteria provided, single submitter. Criteria: Invitae Variant Classification Sherloc (09022015). Collection method: clinical testing. Allele origin: germline.
Comment: This sequence change replaces glutamic acid, which is acidic and polar, with glycine, which is neutral and non-polar, at codon 998 of the ANKRD11 protein (p.Glu998Gly). This variant is not present in population databases (gnomAD no frequency). This variant has not been reported in the literature in individuals affected with ANKRD11-related conditions. Invitae Evidence Modeling of protein sequence and biophysical properties (such as structural, functional, and spatial information, amino acid conservation, physicochemical variation, residue mobility, and thermodynamic stability) indicates that this missense variant is not expected to disrupt ANKRD11 protein function with a negative predictive value of 95%. In summary, the available evidence is currently insufficient to determine the role of this variant in disease. Therefore, it has been classified as a Variant of Uncertain Significance.